The following is an entry in ClinVar:

ClinVar aggregate classification (germline): other (0 of 4 stars; one submission).

Conditions:
Malignant tumor of urinary bladder. Also called: Urinary bladder cancer; Urinary Bladder Neoplasms; Bladder cancer. Identifiers: MedGen C0005684, MONDO:0001187, OMIM 109800.

Allele frequency attached by ClinVar (database versions not stated): gnomAD 0.00001; TOPMed 0.00001.
gnomAD v4.1: 1 of 152,248 alleles (0.00066%); highest among the groups gnomAD compares: Non-Finnish European, 0.0015%; no homozygotes.

Submission:

Gray Institute for Radiation Oncology & Biology, University of Oxford
Classification: other. Review status: no assertion criteria provided. Collection method: not provided. Allele origin: germline.
Comment: Detected by next-generation sequencing & confirmed by Sanger sequencing

NM_005591.4(MRE11):c.1098+1620T>C

Gene: MRE11 (MRE11 double strand break repair nuclease; minus strand). Cytogenetic location: 11q21.
Variant type: single nucleotide variant.
Coding change: c.1098+1620T>C on transcript NM_005591.4 (MANE Select); 1620 bases into the intron after coding-DNA position 1098, T replaced by C.
Molecular consequence: intron variant.
Genome position (GRCh38, 1-based): chr11:94,466,193, A>G on the plus strand (T>C on the coding strand, the complement: MRE11 is on the minus strand). VCF-style: chr11-94466193-A-G. GRCh37 (hg19) VCF-style: chr11-94199359-A-G.
Other names: c.1098+1620T>C (NM_001330347.2, NM_005590.4).
Identifiers: ClinVar variation 60647 (VCV000060647.1), dbSNP rs397509352, ClinGen allele CA144585.
Genomic context (GRCh38, chr11:94,466,193, plus strand): 5'-CCAGTGAAATAAACTCCACTGCACCCAGGGGACGGCAGCTTTTTTGGTTTAGACCACATC[A>G]TGTAGACCCCTGAATGCTAACCTAAAAAAGTTTAGACTTTTTCCTGTTAGTGCTGGGGAA-3'